The following is an entry in ClinVar:

NM_001363711.2(DUOX2):c.3694-3C>T

Gene: DUOX2 (dual oxidase 2; minus strand). Cytogenetic location: 15q21.1.
Variant type: single nucleotide variant.
Coding change: c.3694-3C>T on transcript NM_001363711.2 (MANE Select); 3 bases into the intron before coding-DNA position 3694, C replaced by T.
Molecular consequence: intron variant.
Genome position (GRCh38, 1-based): chr15:45,097,394, G>A on the plus strand (C>T on the coding strand, the complement: DUOX2 is on the minus strand). VCF-style: chr15-45097394-G-A. GRCh37 (hg19) VCF-style: chr15-45389592-G-A.
Other names: c.3694-3C>T (NM_014080.5).
Identifiers: ClinVar variation 1362373 (VCV001362373.3), dbSNP rs2141141740, ClinGen allele CA2573150751.

ClinVar aggregate classification (germline): Uncertain significance (1 of 4 stars; one submission).

Submission:

Labcorp Genetics (formerly Invitae), Labcorp
Classification: Uncertain significance. Last evaluated: 2021-05-18. Review status: criteria provided, single submitter. Criteria: Invitae Variant Classification Sherloc (09022015). Collection method: clinical testing. Allele origin: germline.
Comment: This sequence change falls in intron 28 of the DUOX2 gene. It does not directly change the encoded amino acid sequence of the DUOX2 protein. It affects a nucleotide within the consensus splice site of the intron. This variant is not present in population databases (ExAC no frequency). This variant has not been reported in the literature in individuals with DUOX2-related conditions. Nucleotide substitutions within the consensus splice site are a relatively common cause of aberrant splicing (PMID: 17576681, 9536098). Algorithms developed to predict the effect of sequence changes on RNA splicing suggest that this variant is not likely to affect RNA splicing, but this prediction has not been confirmed by published transcriptional studies. In summary, the available evidence is currently insufficient to determine the role of this variant in disease. Therefore, it has been classified as a Variant of Uncertain Significance.

Literature cited by the submitters: PubMed 17576681; PubMed 9536098.